The following is an entry in ClinVar:

ClinVar aggregate classification (germline): Uncertain significance. Review status: criteria provided, multiple submitters, no conflicts (2 of 4 stars). 2 submissions from 2 submitters: Uncertain significance (2). Last evaluated 2024-06-27.

Submissions (2):

GeneDx
Classification: Uncertain significance. Last evaluated: 2024-06-27. Review status: criteria provided, single submitter. Criteria: GeneDx Variant Classification Process June 2021. Collection method: clinical testing. Allele origin: germline. Affected: yes.
Comment: Not observed at significant frequency in large population cohorts (gnomAD); In silico analysis indicates that this missense variant does not alter protein structure/function; Has not been previously published as pathogenic or benign to our knowledge

Labcorp Genetics (formerly Invitae), Labcorp
Classification: Uncertain significance. Last evaluated: 2023-05-20. Review status: criteria provided, single submitter. Criteria: Invitae Variant Classification Sherloc (09022015). Collection method: clinical testing. Allele origin: germline.
Comment: This sequence change replaces cysteine, which is neutral and slightly polar, with glycine, which is neutral and non-polar, at codon 429 of the KMT2B protein (p.Cys429Gly). This variant is not present in population databases (gnomAD no frequency). This variant has not been reported in the literature in individuals affected with KMT2B-related conditions. Advanced modeling of protein sequence and biophysical properties (such as structural, functional, and spatial information, amino acid conservation, physicochemical variation, residue mobility, and thermodynamic stability) performed at Invitae indicates that this missense variant is not expected to disrupt KMT2B protein function. In summary, the available evidence is currently insufficient to determine the role of this variant in disease. Therefore, it has been classified as a Variant of Uncertain Significance.

NM_014727.3(KMT2B):c.1285T>G (p.Cys429Gly)

Gene: KMT2B (lysine methyltransferase 2B; plus strand). Cytogenetic location: 19q13.12.
Variant type: single nucleotide variant.
Coding change: c.1285T>G on transcript NM_014727.3 (MANE Select); coding-DNA position 1285, T replaced by G.
Protein change: p.Cys429Gly; replaces cysteine 429 with glycine.
Molecular consequence: missense variant.
Genome position (GRCh38, 1-based): chr19:35,720,632, T>G. VCF-style: chr19-35720632-T-G. GRCh37 (hg19) VCF-style: chr19-36211534-T-G.
Other names: c.1285T>G (NM_014727.2); short protein forms C429G.
Identifiers: ClinVar variation 2805395 (VCV002805395.4), dbSNP rs2513314722, ClinGen allele CA405389728.